The following is an entry in ClinVar:

NM_020975.6(RET):c.890dup (p.Val298fs)

Gene: RET (ret proto-oncogene; plus strand). Cytogenetic location: 10q11.21.
Variant type: Duplication.
Coding change: c.890dup on transcript NM_020975.6 (MANE Select); coding-DNA position 890, one base duplicated (G; older notation c.890dupG).
Protein change: p.Val298fs; shifts the reading frame from valine 298.
Molecular consequence: frameshift variant.
Genome position (GRCh38, 1-based): chr10:43,106,398, G duplicated. VCF-style (leftmost placement, unchanged base first): chr10-43106397-C-CG. GRCh37 (hg19) VCF-style: chr10-43601845-C-CG.
Other names: c.890dupG (NM_020975.4); c.890dup, p.Val298Cysfs (NM_000323.2, NM_001406743.1, NM_001406744.1 and 6 more transcripts); c.128dup, p.Val44Cysfs (NM_001355216.2); c.761dup, p.Val255Cysfs (NM_001406761.1, NM_001406762.1, NM_001406764.1 and 1 more transcripts); c.602dup, p.Val202Cysfs (NM_001406766.1, NM_001406767.1, NM_001406770.1); short protein forms V44fs, V298fs.
Identifiers: ClinVar variation 280193 (VCV000280193.4), dbSNP rs886041443, ClinGen allele CA10603140.
Genomic context (GRCh38, chr10:43,106,397, plus strand): 5'-ATCTCGCCTGCACTGACCAACGCCCTCTGCATCCTGCAGGACACCGTGGTGGCCACGCTG[C>CG]GTGTCTTCGATGCAGACGTGGTACCTGCATCAGGGGAGCTGGTGAGGCGGTACACAAGCA-3'

ClinVar aggregate classification (germline): Pathogenic (1 of 4 stars; one submission).

Submission:

GeneDx
Classification: Pathogenic. Last evaluated: 2016-01-08. Review status: criteria provided, single submitter. Criteria: GeneDx Variant Classification (06012015). Collection method: clinical testing. Allele origin: germline. Affected: yes.
Comment: The c.890dupG pathogenic variant in the RET gene has not been reported previously as a pathogenic variant nor as a benign variant, to our knowledge. The c.890dupG variant causes a frameshift starting with codon Valine 298, changes this amino acid to a Cysteine residue, and creates a premature Stop codon at position 56 of the new reading frame, denoted p.V298CfsX56. This variant is predicted to cause loss of normal protein function either through protein truncation or nonsense-mediated mRNA decay. The c.890dupG variant was not observed in approximately 6500 individuals of European and African American ancestry in the NHLBI Exome Sequencing Project, indicating it is not a common benign variant in these populations.